The following is an entry in ClinVar:

ClinVar aggregate classification (germline): Benign. Review status: criteria provided, single submitter (1 of 4 stars). 2 submissions from 2 submitters: Benign (1). 1 of the submissions does not count toward it. Last evaluated 2025-07-30.

Conditions:
GRID2-related disorder. Also called: GRID2-related condition.

Allele frequency attached by ClinVar (database versions not stated): ExAC 0.00060; gnomAD 0.00184; ESP Exome Variant Server 0.00185; TOPMed 0.00192; 1000 Genomes Project 0.00200; 1000 Genomes Project 30x 0.00234.
gnomAD v4.1: 560 of 1,604,544 alleles (0.035%); highest among the groups gnomAD compares: African/African-American, 0.65%; no homozygotes.

Submissions (2):

Labcorp Genetics (formerly Invitae), Labcorp
Classification: Benign. Last evaluated: 2025-07-30. Review status: criteria provided, single submitter. Criteria: Invitae Variant Classification Sherloc (09022015). Collection method: clinical testing. Allele origin: germline.

PreventionGenetics, part of Exact Sciences
Classification: Likely benign for GRID2-related condition. Last evaluated: 2019-04-01. Review status: no assertion criteria provided. Collection method: clinical testing. Allele origin: germline. Not counted in ClinVar's aggregate classification.
Comment: This variant is classified as likely benign based on ACMG/AMP sequence variant interpretation guidelines (Richards et al. 2015 PMID: 25741868, with internal and published modifications).

NM_001510.4(GRID2):c.87C>T (p.Ile29=)

Genes: GRID2 (glutamate ionotropic receptor delta type subunit 2; plus strand), GRID2-AS1 (GRID2 antisense RNA 1; minus strand). Cytogenetic location: 4q22.1.
Variant type: single nucleotide variant.
Coding change: c.87C>T on transcript NM_001510.4 (MANE Select); coding-DNA position 87, C replaced by T.
Protein change: p.Ile29=; no amino-acid change (isoleucine 29 retained).
Molecular consequence: synonymous variant.
Genome position (GRCh38, 1-based): chr4:92,304,743, C>T. VCF-style: chr4-92304743-C-T. GRCh37 (hg19) VCF-style: chr4-93225894-C-T.
Other names: c.87C>T, p.Ile29= (NM_001286838.1); c.87C>T (NM_001510.3).
Identifiers: ClinVar variation 2064428 (VCV002064428.6), dbSNP rs77619135, ClinGen allele CA3011858.
Genomic context (GRCh38, chr4:92,304,743, plus strand): 5'-TTTGTCCGTCTGGTGGTCTCGAACCTGGGACTCGGCGAATGCGGATTCGATCATTCACAT[C>T]GGTAAGAAAGTGTTGGTGCAGCTCGTGGTTACTTTTACCGTTTCAGTTCTCAAATGTTTC-3'
Protein context (NP_001501.2, residues 19-39): DSANADSIIH[Ile29=]GAIFDESAKK